The following is an entry in ClinVar:

NM_000520.6(HEXA):c.1276T>G (p.Ser426Ala)

Gene: HEXA (hexosaminidase subunit alpha; minus strand). Cytogenetic location: 15q23.
Variant type: single nucleotide variant.
Coding change: c.1276T>G on transcript NM_000520.6 (MANE Select); coding-DNA position 1276, T replaced by G.
Protein change: p.Ser426Ala; replaces serine 426 with alanine.
Molecular consequence: missense variant.
Genome position (GRCh38, 1-based): chr15:72,346,581, A>C on the plus strand (T>G on the coding strand, the complement: HEXA is on the minus strand). VCF-style: chr15-72346581-A-C. GRCh37 (hg19) VCF-style: chr15-72638922-A-C.
Other names: c.1309T>G, p.Ser437Ala (NM_001318825.2); short protein forms S437A, S426A.
Identifiers: ClinVar variation 2156404 (VCV002156404.2), dbSNP rs1464696678, ClinGen allele CA393060654.
Genomic context (GRCh38, chr15:72,346,581, plus strand): 5'-TTTCACCTTCAAATGCCAGGGGTTCCACTATGTAGAAATCCTTCCAGTCAGGGCCATAGG[A>C]TATACGGTTCAGGTACCAGGGGGCAGAGAGAAGGGCCCGGAAGCCGGCCTTGGTGACCAG-3'
Protein context (NP_000511.2, residues 416-436): LSAPWYLNRI[Ser426Ala]YGPDWKDFYI

ClinVar aggregate classification (germline): Uncertain significance (1 of 4 stars; one submission).

Conditions:
Tay-Sachs disease (TSD). Also called: GM2 gangliosidosis, type 1; Hexosaminidase alpha-subunit deficiency (variant B); Sphingolipidosis, Tay-Sachs; Hexosaminidase A Deficiency; HEXA DEFICIENCY; HEXA Disorders. Identifiers: Orphanet 845, MedGen C0039373, MONDO:0010100, OMIM 272800.

Allele frequency attached by ClinVar (database versions not stated): TOPMed below 0.00001; gnomAD 0.00001; gnomAD exomes 0.00001.
gnomAD v4.1: 9 of 1,613,930 alleles (0.00056%); highest among the groups gnomAD compares: Admixed American, 0.005%; no homozygotes.

Submission:

Labcorp Genetics (formerly Invitae), Labcorp
Classification: Uncertain significance for Tay-Sachs disease. Last evaluated: 2023-10-03. Review status: criteria provided, single submitter. Criteria: Invitae Variant Classification Sherloc (09022015). Collection method: clinical testing. Allele origin: germline.
Comment: This sequence change replaces serine, which is neutral and polar, with alanine, which is neutral and non-polar, at codon 426 of the HEXA protein (p.Ser426Ala). This variant is present in population databases (no rsID available, gnomAD 0.006%). This variant has not been reported in the literature in individuals affected with HEXA-related conditions. ClinVar contains an entry for this variant (Variation ID: 2156404). Algorithms developed to predict the effect of missense changes on protein structure and function output the following: SIFT: "Not Available"; PolyPhen-2: "Benign"; Align-GVGD: "Not Available". The alanine amino acid residue is found in multiple mammalian species, which suggests that this missense change does not adversely affect protein function. In summary, the available evidence is currently insufficient to determine the role of this variant in disease. Therefore, it has been classified as a Variant of Uncertain Significance.